The following is an entry in ClinVar:

NM_022436.3(ABCG5):c.803T>A (p.Phe268Tyr)

Genes: DYNC2LI1 (dynein cytoplasmic 2 light intermediate chain 1; plus strand), ABCG5 (ATP binding cassette subfamily G member 5; minus strand). Cytogenetic location: 2p21.
Variant type: single nucleotide variant.
Coding change: c.803T>A on transcript NM_022436.3 (MANE Select); coding-DNA position 803, T replaced by A.
Protein change: p.Phe268Tyr; replaces phenylalanine 268 with tyrosine.
Molecular consequence: missense variant. On other transcripts: intron variant (2).
Genome position (GRCh38, 1-based): chr2:43,824,990, A>T on the plus strand (T>A on the coding strand, the complement: ABCG5 is on the minus strand). VCF-style: chr2-43824990-A-T. GRCh37 (hg19) VCF-style: chr2-44052129-A-T.
Other names: c.*16-2396A>T (NM_001348913.2, NM_001348912.2); short protein forms F268Y.
Identifiers: ClinVar variation 336047 (VCV000336047.13), dbSNP rs770103215, ClinGen allele CA1636501.

ClinVar aggregate classification (germline): Conflicting classifications of pathogenicity. Review status: criteria provided, conflicting classifications (1 of 4 stars). 5 submissions from 5 submitters: Uncertain significance (2); Benign (1); Likely benign (2). Last evaluated 2026-01-16.

Conditions:
Sitosterolemia 1. Identifiers: MedGen C2749759, MONDO:0020747, OMIM 210250.
Cardiovascular phenotype. Identifiers: MedGen CN230736.
Sitosterolemia (STSL). Also called: PHYTOSTEROLEMIA. Identifiers: Orphanet 2882, MedGen C0342907, MONDO:0008863.
ABCG5-related disorder. Also called: ABCG5-related condition.

Allele frequency attached by ClinVar (database versions not stated): gnomAD below 0.00001 and 0.00002; gnomAD exomes 0.00009 and 0.00021; ExAC 0.00029.
gnomAD v4.1: 141 of 1,613,886 alleles (0.0087%); highest among the groups gnomAD compares: South Asian, 0.15%; 5 homozygotes.

Submissions (5):

Labcorp Genetics (formerly Invitae), Labcorp
Classification: Benign for Sitosterolemia. Last evaluated: 2026-01-16. Review status: criteria provided, single submitter. Criteria: Invitae Variant Classification Sherloc (09022015). Collection method: clinical testing. Allele origin: germline.

PreventionGenetics, part of Exact Sciences
Classification: Likely benign for ABCG5-related condition. Last evaluated: 2025-05-12. Review status: criteria provided, single submitter. Criteria: ACMG Guidelines, 2015. Collection method: clinical testing. Allele origin: germline.
Comment: This variant is classified as likely benign based on ACMG/AMP sequence variant interpretation guidelines (Richards et al. 2015 PMID: 25741868, with internal and published modifications).

Women's Health and Genetics/Laboratory Corporation of America, LabCorp
Classification: Uncertain significance. Last evaluated: 2023-08-06. Review status: criteria provided, single submitter. Criteria: LabCorp Variant Classification Summary - May 2015. Collection method: clinical testing. Allele origin: germline.

Ambry Genetics
Classification: Likely benign for Cardiovascular phenotype. Last evaluated: 2021-07-12. Review status: criteria provided, single submitter. Criteria: Ambry Variant Classification Scheme 2023. Collection method: clinical testing. Allele origin: germline.

Illumina Laboratory Services, Illumina
Classification: Uncertain significance for Sitosterolemia 1. Last evaluated: 2018-01-13. Review status: criteria provided, single submitter. Criteria: ICSL Variant Classification Criteria 13 December 2019. Collection method: clinical testing. Allele origin: germline.